The following is an entry in ClinVar:

ClinVar aggregate classification (germline): Uncertain significance (1 of 4 stars; one submission).

Submission:

Labcorp Genetics (formerly Invitae), Labcorp
Classification: Uncertain significance. Last evaluated: 2023-12-26. Review status: criteria provided, single submitter. Criteria: Invitae Variant Classification Sherloc (09022015). Collection method: clinical testing. Allele origin: germline.
Comment: This sequence change falls in intron 13 of the DNA2 gene. It does not directly change the encoded amino acid sequence of the DNA2 protein. It affects a nucleotide within the consensus splice site. This variant is not present in population databases (gnomAD no frequency). This variant has not been reported in the literature in individuals affected with DNA2-related conditions. Variants that disrupt the consensus splice site are a relatively common cause of aberrant splicing (PMID: 17576681, 9536098). Algorithms developed to predict the effect of sequence changes on RNA splicing suggest that this variant may disrupt the consensus splice site. In summary, the available evidence is currently insufficient to determine the role of this variant in disease. Therefore, it has been classified as a Variant of Uncertain Significance.

Literature cited by the submitters: PubMed 17576681; PubMed 9536098.

NM_001080449.3(DNA2):c.1983+2dup

Gene: DNA2 (DNA replication helicase/nuclease 2; minus strand). Cytogenetic location: 10q21.3.
Variant type: Duplication.
Coding change: c.1983+2dup on transcript NM_001080449.3 (MANE Select); the canonical splice donor site of the intron after coding-DNA position 1983, one base duplicated (T; older notation c.1983+2dupT).
Molecular consequence: splice donor variant. On other transcripts: non-coding transcript variant (1).
Genome position (GRCh38, 1-based): chr10:68,431,860, A duplicated on the plus strand (T on the coding strand, the reverse complement: DNA2 is on the minus strand). VCF-style (leftmost placement, unchanged base first): chr10-68431859-T-TA. GRCh37 (hg19) VCF-style: chr10-70191616-T-TA.
Identifiers: ClinVar variation 2705610 (VCV002705610.3), dbSNP rs2493927275, ClinGen allele CA2697558403.